The following is an entry in ClinVar:

ClinVar aggregate classification (germline): Benign/Likely benign. Review status: criteria provided, multiple submitters, no conflicts (2 of 4 stars). 3 submissions from 3 submitters: Benign (1); Likely benign (2). Last evaluated 2024-07-01.

Conditions:
Angelman syndrome-like. Identifiers: MedGen CN128785.
Developmental and epileptic encephalopathy, 2 (DEE2). Also called: CDKL5 deficiency disorder; INFANTILE SPASM SYNDROME, X-LINKED 2. Identifiers: Orphanet 1934, Orphanet 3451, Orphanet 505652, MedGen C4750718, MONDO:0010396, OMIM 300672.

Allele frequency attached by ClinVar (database versions not stated): gnomAD 0.00003 and 0.00001; 1000 Genomes Project 30x 0.00042; 1000 Genomes Project 0.00053.
gnomAD v4.1: 42 of 1,206,594 alleles (0.0035%); highest among the groups gnomAD compares: South Asian, 0.058%; no homozygotes.

Submissions (3):

Labcorp Genetics (formerly Invitae), Labcorp
Classification: Benign for Developmental and epileptic encephalopathy, 2; Angelman syndrome-like. Last evaluated: 2024-07-01. Review status: criteria provided, single submitter. Criteria: Invitae Variant Classification Sherloc (09022015). Collection method: clinical testing. Allele origin: germline.

Blueprint Genetics
Classification: Likely benign. Last evaluated: 2023-04-04. Review status: criteria provided, single submitter. Criteria: ACMG Guidelines, 2015. Collection method: clinical testing. Allele origin: germline.

GeneDx
Classification: Likely benign. Last evaluated: 2017-11-03. Review status: criteria provided, single submitter. Criteria: GeneDx Variant Classification (06012015). Collection method: clinical testing. Allele origin: germline. Affected: yes.
Comment: This variant is considered likely benign or benign based on one or more of the following criteria: it is a conservative change, it occurs at a poorly conserved position in the protein, it is predicted to be benign by multiple in silico algorithms, and/or has population frequency not consistent with disease.

NM_003159.3(CDKL5):c.2980+20C>T

Genes: CDKL5 (cyclin dependent kinase like 5; plus strand), RS1 (retinoschisin 1; minus strand). Cytogenetic location: Xp22.13.
Variant type: single nucleotide variant.
Coding change: c.2980+20C>T on transcript NM_003159.3; 20 bases into the intron after coding-DNA position 2980, C replaced by T.
Molecular consequence: intron variant.
Genome position (GRCh38, 1-based): chrX:18,650,612, C>T. VCF-style: chrX-18650612-C-T. GRCh37 (hg19) VCF-style: chrX-18668732-C-T.
Other names: c.2980+20C>T (NM_001037343.2); c.185-3280G>A (NM_000330.4).
Identifiers: ClinVar variation 513078 (VCV000513078.11), dbSNP rs181859624, ClinGen allele CA10360755.